The following is an entry in ClinVar:

ClinVar aggregate classification (germline): Pathogenic. Review status: criteria provided, multiple submitters, no conflicts (2 of 4 stars). 3 submissions from 3 submitters: Pathogenic (3). Last evaluated 2021-04-29.

Conditions:
Hereditary cancer-predisposing syndrome. Also called: Neoplastic Syndromes, Hereditary; Hereditary neoplastic syndrome; Tumor predisposition; Hereditary Cancer Syndrome. Identifiers: Orphanet 140162, MedGen C0027672, MeSH D009386, MONDO:0015356.
Hereditary breast ovarian cancer syndrome. Also called: Hereditary breast and ovarian cancer; Hereditary breast and ovarian cancer syndrome (HBOC); Breast and ovarian cancer; BRCA1- and BRCA2-Associated Hereditary Breast and Ovarian Cancer; Hereditary breast and/or ovarian cancer syndrome; Hereditary breast and ovarian cancer syndrome. Identifiers: Orphanet 145, MedGen C0677776, MeSH D061325, MONDO:0003582. Disease mechanism: loss of function.

Submissions (3):

Ambry Genetics
Classification: Pathogenic for Hereditary cancer-predisposing syndrome. Last evaluated: 2021-04-29. Review status: criteria provided, single submitter. Criteria: Ambry Variant Classification Scheme 2023. Collection method: clinical testing. Allele origin: germline.
Comment: The c.2158_2159delGA pathogenic mutation, located in coding exon 9 of the BRCA1 gene, results from a deletion of two nucleotides at nucleotide positions 2158 to 2159, causing a translational frameshift with a predicted alternate stop codon (p.E720Ifs*5). This alteration is expected to result in loss of function by premature protein truncation or nonsense-mediated mRNA decay. As such, this alteration is interpreted as a disease-causing mutation.

Labcorp Genetics (formerly Invitae), Labcorp
Classification: Pathogenic for Hereditary breast ovarian cancer syndrome. Last evaluated: 2020-06-16. Review status: criteria provided, single submitter. Criteria: Invitae Variant Classification Sherloc (09022015). Collection method: clinical testing. Allele origin: germline.
Comment: This sequence change creates a premature translational stop signal (p.Glu720Ilefs*5) in the BRCA1 gene. It is expected to result in an absent or disrupted protein product. This variant is not present in population databases (ExAC no frequency). This variant has not been reported in the literature in individuals with BRCA1-related conditions. ClinVar contains an entry for this variant (Variation ID: 619623). Loss-of-function variants in BRCA1 are known to be pathogenic (PMID: 20104584). For these reasons, this variant has been classified as Pathogenic.

Quest Diagnostics Nichols Institute San Juan Capistrano
Classification: Pathogenic. Last evaluated: 2018-06-19. Review status: criteria provided, single submitter. Criteria: Quest Diagnostics criteria. Collection method: clinical testing. Allele origin: germline.

Literature cited by the submitters: PubMed 20104584 (cited by Labcorp Genetics (formerly Invitae), Labcorp).

NM_007294.4(BRCA1):c.2158_2159del (p.Glu720fs)

Gene: BRCA1 (BRCA1 DNA repair associated; minus strand). Cytogenetic location: 17q21.31.
Variant type: Deletion.
Coding change: c.2158_2159del on transcript NM_007294.4 (MANE Select); coding-DNA positions 2158 to 2159, 2 bases deleted (GA; older notation c.2158_2159delGA).
Protein change: p.Glu720fs; shifts the reading frame from glutamic acid 720.
Molecular consequence: frameshift variant. On other transcripts: intron variant (137).
Genome position (GRCh38, 1-based): chr17:43,093,372-43,093,373, TC deleted on the plus strand (GA on the coding strand, the reverse complement: BRCA1 is on the minus strand); deleting any 2 consecutive bases within chr17:43,093,372-43,093,374 gives the same sequence; the c. name uses the placement nearest the transcript's 3' end. VCF-style (leftmost placement, unchanged base first): chr17-43093371-TTC-T. GRCh37 (hg19) VCF-style: chr17-41245388-TTC-T.
Other names: c.2155_2156del, p.Glu719fs (NM_001407590.1, NM_001407591.1, NM_001407612.1 and 22 more transcripts); c.2158_2159del, p.Glu720fs (NM_001407593.1, NM_001407594.1, NM_001407596.1 and 30 more transcripts); c.1945_1946del, p.Glu649fs (NM_001407571.1, NM_001407853.1, NM_001407894.1 and 9 more transcripts); c.2149_2150del, p.Glu717fs (NM_001407646.1, NM_001407647.1); c.2035_2036del, p.Glu679fs (NM_001407648.1, NM_001407664.1, NM_001407665.1 and 19 more transcripts); c.2032_2033del, p.Glu678fs (NM_001407649.1, NM_001407670.1, NM_001407671.1 and 11 more transcripts); c.2080_2081del, p.Glu694fs (NM_001407653.1, NM_001407654.1, NM_001407655.1 and 4 more transcripts); c.2077_2078del, p.Glu693fs (NM_001407659.1, NM_001407660.1, NM_001407661.1 and 1 more transcripts); and 43 more; short protein forms E673fs, E720fs, E649fs, E652fs, E693fs, E694fs, E592fs, E608fs.
Identifiers: ClinVar variation 619623 (VCV000619623.12), dbSNP rs1567796780, ClinGen allele CA913190560.